The following is an entry in ClinVar:

NM_000558.5(HBA1):c.385T>G (p.Phe129Val)

Genes: HBA1 (hemoglobin subunit alpha 1; plus strand), LOC106804613 (hemoglobin subunit alpha 1 recombination region; plus strand). Cytogenetic location: 16p13.3.
Variant type: single nucleotide variant.
Coding change: c.385T>G on transcript NM_000558.5 (MANE Select); coding-DNA position 385, T replaced by G.
Protein change: p.Phe129Val; replaces phenylalanine 129 with valine.
Molecular consequence: missense variant.
Genome position (GRCh38, 1-based): chr16:177,367, T>G. VCF-style: chr16-177367-T-G. GRCh37 (hg19) VCF-style: chr16-227366-T-G.
Other names: short protein forms F129V.
Identifiers: ClinVar variation 4685657 (VCV004685657.1).

ClinVar aggregate classification (germline): Uncertain significance (1 of 4 stars; one submission).

gnomAD v4.1: 5 of 1,613,676 alleles (0.00031%); highest among the groups gnomAD compares: Non-Finnish European, 0.00042%; no homozygotes.

Submission:

ARUP Laboratories, Molecular Genetics and Genomics, ARUP Laboratories
Classification: Uncertain significance. Last evaluated: 2025-03-05. Review status: criteria provided, single submitter. Criteria: ARUP Molecular Germline Variant Investigation Process 2024. Collection method: clinical testing. Allele origin: germline.
Comment: The HBA1 c.385T>G; p.Phe129Val (rs1161288029), also known as Phe128Val when numbered from the mature protein, is not reported in the medical literature or gene specific databases. This variant is also absent from the Genome Aggregation Database (v2.1.1), indicating it is not a common polymorphism. Computational analyses predict that this variant is deleterious (REVEL: 0.902). Due to limited information, the clinical significance of this variant is uncertain at this time.